The following is an entry in ClinVar:

ClinVar aggregate classification (germline): Pathogenic/Likely pathogenic. Review status: criteria provided, multiple submitters, no conflicts (2 of 4 stars). 2 submissions from 2 submitters: Pathogenic (1); Likely pathogenic (1). Last evaluated 2024-09-03.

Conditions:
Autosomal recessive nonsyndromic hearing loss 77. Identifiers: Orphanet 90636, MedGen C2746083, MONDO:0013119, OMIM 613079.

Submissions (2):

Natera, Inc.
Classification: Likely pathogenic for Autosomal recessive deafness type 77. Last evaluated: 2024-09-03. Review status: criteria provided, single submitter. Criteria: Natera Variant Classification Schema (03/2026). Collection method: clinical testing. Allele origin: germline.
Comment: The c.246-1G>A variant in LOXHD1 is a canonical splice acceptor site variant predicted to affect pre-mRNA splicing, which may result in an abnormal transcript and altered protein product. This variant may result in a truncated or dysfunctional protein product. This variant is rare in the general population with a frequency below the threshold expected for the associated phenotype(s). This variant has been observed in one or more individuals affected with the associated recessive disease, as either homozygous or compound heterozygous with a second variant (PMID: 31547530). Additionally, this variant has been observed to segregate in affected family members (PMID: 31547530). Given the available evidence, this variant is classified as Likely Pathogenic.

Labcorp Genetics (formerly Invitae), Labcorp
Classification: Pathogenic. Last evaluated: 2023-06-23. Review status: criteria provided, single submitter. Criteria: Invitae Variant Classification Sherloc (09022015). Collection method: clinical testing. Allele origin: germline.
Comment: Algorithms developed to predict the effect of sequence changes on RNA splicing suggest that this variant may disrupt the consensus splice site. This sequence change affects an acceptor splice site in intron 2 of the LOXHD1 gene. It is expected to disrupt RNA splicing. Variants that disrupt the donor or acceptor splice site typically lead to a loss of protein function (PMID: 16199547), and loss-of-function variants in LOXHD1 are known to be pathogenic (PMID: 19732867, 21465660, 25792669). This variant is not present in population databases (gnomAD no frequency). Disruption of this splice site has been observed in individual(s) with nonsyndromic deafness (PMID: 31547530). In at least one individual the data is consistent with being in trans (on the opposite chromosome) from a pathogenic variant. It has also been observed to segregate with disease in related individuals. For these reasons, this variant has been classified as Pathogenic.

Literature cited by the submitters: PubMed 31547530 (cited by Natera, Inc. and Labcorp Genetics (formerly Invitae), Labcorp); PubMed 16199547 (cited by Labcorp Genetics (formerly Invitae), Labcorp); PubMed 19732867 (cited by Labcorp Genetics (formerly Invitae), Labcorp); PubMed 21465660 (cited by Labcorp Genetics (formerly Invitae), Labcorp); PubMed 25792669 (cited by Labcorp Genetics (formerly Invitae), Labcorp).

NM_001384474.1(LOXHD1):c.246-1G>A

Gene: LOXHD1 (lipoxygenase homology PLAT domains 1; minus strand). Cytogenetic location: 18q21.1.
Variant type: single nucleotide variant.
Coding change: c.246-1G>A on transcript NM_001384474.1 (MANE Select); the canonical splice acceptor site of the intron before coding-DNA position 246, G replaced by A.
Molecular consequence: splice acceptor variant.
Genome position (GRCh38, 1-based): chr18:46,642,037, C>T on the plus strand (G>A on the coding strand, the complement: LOXHD1 is on the minus strand). VCF-style: chr18-46642037-C-T. GRCh37 (hg19) VCF-style: chr18-44222000-C-T.
Other names: c.246-1G>A (NM_144612.6, NM_144612.7).
Identifiers: ClinVar variation 2972886 (VCV002972886.4), dbSNP rs2511999710, ClinGen allele CA402371036.